The following is an entry in ClinVar:

ClinVar aggregate classification (germline): Uncertain significance (1 of 4 stars; one submission).

Conditions:
Developmental and epileptic encephalopathy, 30 (DEE30). Also called: Epileptic encephalopathy, early infantile, 30. Identifiers: MedGen C4225360, MONDO:0014595, OMIM 616341.

Submission:

Labcorp Genetics (formerly Invitae), Labcorp
Classification: Uncertain significance for Developmental and epileptic encephalopathy, 30. Last evaluated: 2023-12-19. Review status: criteria provided, single submitter. Criteria: Invitae Variant Classification Sherloc (09022015). Collection method: clinical testing. Allele origin: germline.
Comment: This sequence change creates a premature translational stop signal (p.Ala585*) in the SIK1 gene. It is expected to result in an absent or disrupted protein product. However, the current clinical and genetic evidence is not sufficient to establish whether loss-of-function variants in SIK1 cause disease. This variant is not present in population databases (gnomAD no frequency). This variant has not been reported in the literature in individuals affected with SIK1-related conditions. In summary, the available evidence is currently insufficient to determine the role of this variant in disease. Therefore, it has been classified as a Variant of Uncertain Significance.

NM_173354.5(SIK1):c.1748_1752dup (p.Ala585Ter)

Gene: SIK1 (salt inducible kinase 1; minus strand). Cytogenetic location: 21q22.3.
Variant type: Duplication.
Coding change: c.1748_1752dup on transcript NM_173354.5 (MANE Select); coding-DNA positions 1748 to 1752, 5 bases duplicated (TGAAG; older notation c.1748_1752dupTGAAG).
Protein change: p.Ala585Ter; replaces alanine 585 with a stop codon.
Molecular consequence: nonsense.
Genome position (GRCh38, 1-based): chr21:43,417,767-43,417,771, CTTCA duplicated on the plus strand (TGAAG on the coding strand, the reverse complement: SIK1 is on the minus strand). VCF-style (leftmost placement, unchanged base first): chr21-43417766-C-CCTTCA. GRCh37 (hg19) VCF-style: chr21-44837646-C-CCTTCA.
Other names: short protein forms A585*.
Identifiers: ClinVar variation 2702822 (VCV002702822.3), dbSNP rs2516964778, ClinGen allele CA2697547547.